The following is an entry in ClinVar:

NM_033305.3(VPS13A):c.1049G>A (p.Trp350Ter)

Gene: VPS13A (vacuolar protein sorting 13 homolog A; plus strand). Cytogenetic location: 9q21.2.
Variant type: single nucleotide variant.
Coding change: c.1049G>A on transcript NM_033305.3 (MANE Select); coding-DNA position 1049, G replaced by A.
Protein change: p.Trp350Ter; replaces tryptophan 350 with a stop codon.
Molecular consequence: nonsense.
Genome position (GRCh38, 1-based): chr9:77,221,244, G>A. VCF-style: chr9-77221244-G-A. GRCh37 (hg19) VCF-style: chr9-79836160-G-A.
Other names: c.1049G>A, p.Trp350Ter (NM_001018037.2, NM_001018038.3, NM_015186.4); short protein forms W350*.
Identifiers: ClinVar variation 3633123 (VCV003633123.3).
Genomic context (GRCh38, chr9:77,221,244, plus strand): 5'-GGTGGGCTTATGCTATACATGGCGTTCTTGAAGTAAATGTTTGCCCCAGGTTATGGATGT[G>A]GTCATGGAAGCATATTAGAAAACATAGGCAAAAAGTGAAGCAATATAAAGAACTGTATAA-3'

ClinVar aggregate classification (germline): Pathogenic. Review status: criteria provided, multiple submitters, no conflicts (2 of 4 stars). 2 submissions from 2 submitters: Pathogenic (2). Last evaluated 2024-06-18.

Conditions:
VPS13A-related neurodegenerative disease. Also called: LEVINE-CRITCHLEY SYNDROME; Choreoacanthocytosis; Chorea-acanthocytosis; ACANTHOCYTOSIS WITH NEUROLOGIC DISORDER; VPS13A Disease; Choreaacanthocytosis. Identifiers: Orphanet 2388, MedGen C0393576, MONDO:0008695, OMIM 200150.

gnomAD v4.1: 1 of 1,613,364 alleles (0.000062%); highest among the groups gnomAD compares: South Asian, 0.0011%; no homozygotes.

Submissions (2):

Myriad Genetics, Inc.
Classification: Pathogenic for VPS13A-related neurodegenerative disease. Last evaluated: 2024-06-18. Review status: criteria provided, single submitter. Criteria: Myriad Autosomal Dominant, Autosomal Recessive and X-Linked Classification Criteria (2023). Collection method: clinical testing. Allele origin: unknown.
Comment: NM_033305.2(VPS13A):c.1049G>A(W350*) is expected to be pathogenic in the context of VPS13A disease. This variant is predicted to lead to an abnormal or absent protein product due to the creation of a premature termination codon in VPS13A, a gene where loss-of-function variants are known to be pathogenic. Please note: this variant was assessed in the context of healthy population screening.

Labcorp Genetics (formerly Invitae), Labcorp
Classification: Pathogenic. Last evaluated: 2024-02-23. Review status: criteria provided, single submitter. Criteria: Invitae Variant Classification Sherloc (09022015). Collection method: clinical testing. Allele origin: germline.
Comment: This sequence change creates a premature translational stop signal (p.Trp350*) in the VPS13A gene. It is expected to result in an absent or disrupted protein product. Loss-of-function variants in VPS13A are known to be pathogenic (PMID: 12404112, 21598378). This variant is not present in population databases (gnomAD no frequency). This variant has not been reported in the literature in individuals affected with VPS13A-related conditions. Algorithms developed to predict the effect of sequence changes on RNA splicing suggest that this variant may disrupt the consensus splice site. For these reasons, this variant has been classified as Pathogenic.

Literature cited by the submitters: PubMed 12404112 (cited by Labcorp Genetics (formerly Invitae), Labcorp); PubMed 21598378 (cited by Labcorp Genetics (formerly Invitae), Labcorp).